The following is an entry in ClinVar:

NM_001371986.1(UNC80):c.649C>T (p.Pro217Ser)

Gene: UNC80 (unc-80 subunit of NALCN channel complex; plus strand). Cytogenetic location: 2q34.
Variant type: single nucleotide variant.
Coding change: c.649C>T on transcript NM_001371986.1 (MANE Select); coding-DNA position 649, C replaced by T.
Protein change: p.Pro217Ser; replaces proline 217 with serine.
Molecular consequence: missense variant.
Genome position (GRCh38, 1-based): chr2:209,786,114, C>T. VCF-style: chr2-209786114-C-T. GRCh37 (hg19) VCF-style: chr2-210650838-C-T.
Other names: c.649C>T, p.Pro217Ser (NM_032504.2, NM_182587.4); short protein forms P217S.
Identifiers: ClinVar variation 3645273 (VCV003645273.2).

ClinVar aggregate classification (germline): Uncertain significance (1 of 4 stars; one submission).

Submission:

Labcorp Genetics (formerly Invitae), Labcorp
Classification: Uncertain significance. Last evaluated: 2024-03-10. Review status: criteria provided, single submitter. Criteria: Invitae Variant Classification Sherloc (09022015). Collection method: clinical testing. Allele origin: germline.
Comment: This sequence change replaces proline, which is neutral and non-polar, with serine, which is neutral and polar, at codon 217 of the UNC80 protein (p.Pro217Ser). This variant is not present in population databases (gnomAD no frequency). This variant has not been reported in the literature in individuals affected with UNC80-related conditions. An algorithm developed to predict the effect of missense changes on protein structure and function (PolyPhen-2) suggests that this variant is likely to be disruptive. In summary, the available evidence is currently insufficient to determine the role of this variant in disease. Therefore, it has been classified as a Variant of Uncertain Significance.